The following is an entry in ClinVar:

ClinVar aggregate classification (germline): Conflicting classifications of pathogenicity. Review status: criteria provided, conflicting classifications (1 of 4 stars). 8 submissions from 8 submitters: Uncertain significance (1); Benign (2); Likely benign (5). Last evaluated 2026-02-01.

Conditions:
TSC1-related disorder. Also called: TSC1-related condition.
Hereditary cancer-predisposing syndrome. Also called: Neoplastic Syndromes, Hereditary; Tumor predisposition; Hereditary Cancer Syndrome; Hereditary neoplastic syndrome. Identifiers: Orphanet 140162, MedGen C0027672, MeSH D009386, MONDO:0015356.
Lymphangiomyomatosis (LAM). Also called: Lymphangioleiomyomatosis; Lymphangioleiomyomatosis, somatic. Identifiers: Orphanet 538, MedGen C0751674, MONDO:0011705, OMIM 606690.
Isolated focal cortical dysplasia type II (FCORD2). Also called: Focal cortical dysplasia type II; CORTICAL DYSPLASIA OF TAYLOR. Identifiers: Orphanet 268994, MedGen C1846385, MONDO:0011818, OMIM 607341, HP:0032051.
Tuberous sclerosis 1 (TSC1). Identifiers: Orphanet 805, MedGen C1854465, MONDO:0008612, OMIM 191100.
Tuberous sclerosis syndrome (TSC). Also called: Tuberous Sclerosis Complex; Tuberous sclerosis. Identifiers: Orphanet 805, MedGen C0041341, MONDO:0001734.

Allele frequency attached by ClinVar (database versions not stated): gnomAD exomes 0.00001 and 0.00002; ExAC 0.00002; TOPMed 0.00002; gnomAD 0.00003.

Submissions (8):

Labcorp Genetics (formerly Invitae), Labcorp
Classification: Benign for Tuberous sclerosis 1. Last evaluated: 2026-02-01. Review status: criteria provided, single submitter. Criteria: Invitae Variant Classification Sherloc (09022015). Collection method: clinical testing. Allele origin: germline.

PreventionGenetics, part of Exact Sciences
Classification: Likely benign for TSC1-related condition. Last evaluated: 2025-07-07. Review status: criteria provided, single submitter. Criteria: ACMG Guidelines, 2015. Collection method: clinical testing. Allele origin: germline.
Comment: This variant is classified as likely benign based on ACMG/AMP sequence variant interpretation guidelines (Richards et al. 2015 PMID: 25741868, with internal and published modifications).

Fulgent Genetics
Classification: Uncertain significance for Tuberous sclerosis 1; Lymphangiomyomatosis; Isolated focal cortical dysplasia type II. Last evaluated: 2024-05-24. Review status: criteria provided, single submitter. Criteria: ACMG Guidelines, 2015. Collection method: clinical testing. Allele origin: germline.

Color Diagnostics, LLC DBA Color Health
Classification: Likely benign for Tuberous sclerosis syndrome. Last evaluated: 2023-01-15. Review status: criteria provided, single submitter. Criteria: ACMG Guidelines, 2015. Collection method: clinical testing. Allele origin: germline.

Genome-Nilou Lab
Classification: Benign for Tuberous sclerosis 1. Last evaluated: 2021-11-07. Review status: criteria provided, single submitter. Criteria: ACMG Guidelines, 2015. Collection method: clinical testing. Allele origin: germline. Affected: no.

Sema4
Classification: Likely benign for Hereditary cancer-predisposing syndrome. Last evaluated: 2021-01-26. Review status: criteria provided, single submitter. Criteria: Sema4 Curation Guidelines. Collection method: curation. Allele origin: germline.

Women's Health and Genetics/Laboratory Corporation of America, LabCorp
Classification: Likely benign. Last evaluated: 2020-02-10. Review status: criteria provided, single submitter. Criteria: LabCorp Variant Classification Summary - May 2015. Collection method: clinical testing. Allele origin: germline.
Comment: Variant summary: TSC1 c.1585G>A (p.Ala529Thr) results in a non-conservative amino acid change in the encoded protein sequence. Four of five in-silico tools predict a benign effect of the variant on protein function. The variant allele was found at a frequency of 2.4e-05 in 251336 control chromosomes. The available data on variant occurrences in the general population are insufficient to allow any conclusion about variant significance. To our knowledge, no occurrence of c.1585G>A in individuals affected with Tuberous Sclerosis Complex and no experimental evidence demonstrating its impact on protein function have been reported. Two clinical diagnostic laboratories have submitted clinical-significance assessments for this variant to ClinVar after 2014 without evidence for independent evaluation. All laboratories classified the variant as benign/likely benign. Based on the evidence outlined above, the variant was classified as likely benign.

Ambry Genetics
Classification: Likely benign for Hereditary cancer-predisposing syndrome. Last evaluated: 2017-02-14. Review status: criteria provided, single submitter. Criteria: Ambry Variant Classification Scheme 2023. Collection method: clinical testing. Allele origin: germline.

NM_000368.5(TSC1):c.1585G>A (p.Ala529Thr)

Gene: TSC1 (TSC complex subunit 1; minus strand). Cytogenetic location: 9q34.13.
Variant type: single nucleotide variant.
Coding change: c.1585G>A on transcript NM_000368.5 (MANE Select); coding-DNA position 1585, G replaced by A.
Protein change: p.Ala529Thr; replaces alanine 529 with threonine.
Molecular consequence: missense variant.
Genome position (GRCh38, 1-based): chr9:132,905,993, C>T on the plus strand (G>A on the coding strand, the complement: TSC1 is on the minus strand). VCF-style: chr9-132905993-C-T. GRCh37 (hg19) VCF-style: chr9-135781380-C-T.
Other names: c.1582G>A, p.Ala528Thr (NM_001162426.2); c.1432G>A, p.Ala478Thr (NM_001162427.2); c.1222G>A, p.Ala408Thr (NM_001362177.2); short protein forms A529T, A408T, A528T, A478T.
Identifiers: ClinVar variation 411256 (VCV000411256.22), dbSNP rs751125011, ClinGen allele CA029113.
Genomic context (GRCh38, chr9:132,905,993, plus strand): 5'-TTGGTGTGTCAGGCCCAAGCTTGTCCAGGGAGGAGTGTAAAGGCTCAGGGTTCACGCTGG[C>T]GCCCTGAGAACTGGAGGCTGCCGAGTGGGTCTTCCGCTGAGAACCTGGGAGACTGTCTCG-3'
Protein context (NP_000359.1, residues 519-539): THSAASSSQG[Ala529Thr]SVNPEPLHSS